The following is an entry in ClinVar:

ClinVar aggregate classification (germline): Uncertain significance. Review status: criteria provided, multiple submitters, no conflicts (2 of 4 stars). 2 submissions from 2 submitters: Uncertain significance (2). Last evaluated 2021-04-19.

Allele frequency attached by ClinVar (database versions not stated): gnomAD exomes 0.00001 and 0.00002; ExAC 0.00005; TOPMed 0.00005; gnomAD 0.00007 and 0.00009.
gnomAD v4.1: 21 of 1,522,828 alleles (0.0014%); highest among the groups gnomAD compares: African/African-American, 0.029%; no homozygotes.

Submissions (2):

Labcorp Genetics (formerly Invitae), Labcorp
Classification: Uncertain significance. Last evaluated: 2021-04-19. Review status: criteria provided, single submitter. Criteria: Invitae Variant Classification Sherloc (09022015). Collection method: clinical testing. Allele origin: germline.
Comment: In summary, the available evidence is currently insufficient to determine the role of this variant in disease. Therefore, it has been classified as a Variant of Uncertain Significance. Algorithms developed to predict the effect of missense changes on protein structure and function are either unavailable or do not agree on the potential impact of this missense change (SIFT: "Not Available"; PolyPhen-2: "Possibly Damaging"; Align-GVGD: "Not Available"). This variant has not been reported in the literature in individuals with UNC80-related conditions. This variant is present in population databases (rs771284860, ExAC 0.05%). This sequence change replaces asparagine with threonine at codon 2866 of the UNC80 protein (p.Asn2866Thr). The asparagine residue is weakly conserved and there is a small physicochemical difference between asparagine and threonine.

Blueprint Genetics
Classification: Uncertain significance. Last evaluated: 2018-05-29. Review status: criteria provided, single submitter. Criteria: ACMG Guidelines, 2015. Collection method: clinical testing. Allele origin: germline.

NM_001371986.1(UNC80):c.8795A>C (p.Asn2932Thr)

Gene: UNC80 (unc-80 subunit of NALCN channel complex; plus strand). Cytogenetic location: 2q34.
Variant type: single nucleotide variant.
Coding change: c.8795A>C on transcript NM_001371986.1 (MANE Select); coding-DNA position 8795, A replaced by C.
Protein change: p.Asn2932Thr; replaces asparagine 2932 with threonine.
Molecular consequence: missense variant.
Genome position (GRCh38, 1-based): chr2:209,976,935, A>C. VCF-style: chr2-209976935-A-C. GRCh37 (hg19) VCF-style: chr2-210841659-A-C.
Other names: c.8597A>C, p.Asn2866Thr (NM_032504.2); c.8582A>C, p.Asn2861Thr (NM_182587.4); short protein forms N2866T, N2861T, N2932T.
Identifiers: ClinVar variation 1515926 (VCV001515926.5), dbSNP rs771284860, ClinGen allele CA2083594.
Genomic context (GRCh38, chr2:209,976,935, plus strand): 5'-AAAATTGAGGCCCTGAGAATGTTATGCCTTCCTTTCAGCTGCTGGCCCAACCAGCAGAGA[A>C]TCATGAAGAGCTTTCCGCCCGGCAACATATTGCCGACCAGCTGGAGCGGCGCTTCATACC-3'
Protein context (NP_001358915.1, residues 2922-2942): QCKLLAQPAE[Asn2932Thr]HEELSARQHI